The following is an entry in ClinVar:

NM_000053.4(ATP7B):c.1230A>G (p.Pro410=)

Gene: ATP7B (ATPase copper transporting beta; minus strand). Cytogenetic location: 13q14.3.
Variant type: single nucleotide variant.
Coding change: c.1230A>G on transcript NM_000053.4 (MANE Select); coding-DNA position 1230, A replaced by G.
Protein change: p.Pro410=; no amino-acid change (proline 410 retained).
Molecular consequence: synonymous variant.
Genome position (GRCh38, 1-based): chr13:51,973,990, T>C on the plus strand (A>G on the coding strand, the complement: ATP7B is on the minus strand). VCF-style: chr13-51973990-T-C. GRCh37 (hg19) VCF-style: chr13-52548126-T-C.
Other names: c.1230A>G, p.Pro410= (NM_001005918.3, NM_001330578.2, NM_001330579.2); c.897A>G, p.Pro299= (NM_001243182.2).
Identifiers: ClinVar variation 312393 (VCV000312393.21), dbSNP rs772843652, ClinGen allele CA6989410.

ClinVar aggregate classification (germline): Conflicting classifications of pathogenicity. Review status: criteria provided, conflicting classifications (1 of 4 stars). 9 submissions from 9 submitters: Uncertain significance (1); Likely benign (6). 2 of the submissions do not count toward it. Last evaluated 2025-09-12.

Conditions:
Wilson disease (WND). Also called: Wilson's disease. Identifiers: Orphanet 905, MedGen C0019202, MONDO:0010200, OMIM 277900. Disease mechanism: loss of function.

Allele frequency attached by ClinVar (database versions not stated): gnomAD 0.00002; ExAC 0.00003; gnomAD exomes 0.00005 and 0.00009; TOPMed 0.00007.
gnomAD v4.1: 126 of 1,614,128 alleles (0.0078%); highest among the groups gnomAD compares: Non-Finnish European, 0.011%; no homozygotes.

Submissions (9):

Labcorp Genetics (formerly Invitae), Labcorp
Classification: Likely benign for Wilson disease. Last evaluated: 2025-09-12. Review status: criteria provided, single submitter. Criteria: Invitae Variant Classification Sherloc (09022015). Collection method: clinical testing. Allele origin: germline.

ARUP Laboratories, Molecular Genetics and Genomics, ARUP Laboratories
Classification: Likely benign for Wilson disease. Last evaluated: 2024-12-20. Review status: criteria provided, single submitter. Criteria: ARUP Molecular Germline Variant Investigation Process 2024. Collection method: clinical testing. Allele origin: germline.

All of Us Research Program, National Institutes of Health
Classification: Likely benign for Wilson disease. Last evaluated: 2024-02-05. Review status: criteria provided, single submitter. Criteria: ACMG Guidelines, 2015. Collection method: clinical testing. Allele origin: germline. Inheritance: Autosomal recessive inheritance. Observed: 18 variant alleles, 18 heterozygotes.
Comment: This study involves interpretation of variants in research participants for the purpose of population health screening. Participant phenotype was not available at the time of variant classification. Additional details can be found in publication PMID: 35346344, PMCID: PMC8962531

Color Diagnostics, LLC DBA Color Health
Classification: Likely benign for Wilson disease. Last evaluated: 2023-02-01. Review status: criteria provided, single submitter. Criteria: ACMG Guidelines, 2015. Collection method: clinical testing. Allele origin: germline.

Blueprint Genetics
Classification: Likely benign. Last evaluated: 2022-07-20. Review status: criteria provided, single submitter. Criteria: ACMG Guidelines, 2015. Collection method: clinical testing. Allele origin: germline.

Genome-Nilou Lab
Classification: Likely benign for Wilson disease. Last evaluated: 2021-08-10. Review status: criteria provided, single submitter. Criteria: ACMG Guidelines, 2015. Collection method: clinical testing. Allele origin: germline. Affected: no.

Illumina Laboratory Services, Illumina
Classification: Uncertain significance for Wilson disease. Last evaluated: 2018-01-13. Review status: criteria provided, single submitter. Criteria: ICSL Variant Classification Criteria 13 December 2019. Collection method: clinical testing. Allele origin: germline.

Clinical Genetics DNA and cytogenetics Diagnostics Lab, Erasmus MC, Erasmus Medical Center
Classification: Likely benign. Review status: no assertion criteria provided. Collection method: clinical testing. Allele origin: germline. Affected: yes. Study: VKGL Data-share Consensus. Not counted in ClinVar's aggregate classification.

Genome Diagnostics Laboratory, Amsterdam University Medical Center
Classification: Likely benign. Review status: no assertion criteria provided. Collection method: clinical testing. Allele origin: germline. Affected: yes. Study: VKGL Data-share Consensus. Not counted in ClinVar's aggregate classification.